The following is an entry in ClinVar:

ClinVar aggregate classification (germline): Likely pathogenic (1 of 4 stars; one submission).

Conditions:
Glomuvenous malformation. Also called: Familial glomangioma; GLOMANGIOMAS, MULTIPLE; GLOMUS TUMORS, MULTIPLE; VENOUS MALFORMATIONS WITH GLOMUS CELLS. Identifiers: Orphanet 83454, MedGen C1841984, MONDO:0007672, OMIM 138000.

Submission:

MGZ Medical Genetics Center
Classification: Likely pathogenic for Glomuvenous malformation. Last evaluated: 2022-08-04. Review status: criteria provided, single submitter. Criteria: ACMG Guidelines, 2015. Collection method: clinical testing. Allele origin: germline. Affected: yes. Observed: 1 variant allele.
Comment: ACMG criteria applied: PVS1, PM2_SUP

NM_053274.3(GLMN):c.465_468del (p.Leu156fs)

Gene: GLMN (glomulin, FKBP associated protein; minus strand). Cytogenetic location: 1p22.1.
Variant type: Deletion.
Coding change: c.465_468del on transcript NM_053274.3 (MANE Select); coding-DNA positions 465 to 468, 4 bases deleted (TCTT; older notation c.465_468delTCTT).
Protein change: p.Leu156fs; shifts the reading frame from leucine 156.
Molecular consequence: frameshift variant. On other transcripts: non-coding transcript variant (1).
Genome position (GRCh38, 1-based): chr1:92,289,078-92,289,081, AAGA deleted on the plus strand (TCTT on the coding strand, the reverse complement: GLMN is on the minus strand). VCF-style (leftmost placement, unchanged base first): chr1-92289077-GAAGA-G. GRCh37 (hg19) VCF-style: chr1-92754634-GAAGA-G.
Other names: c.465_468del, p.Leu156fs (NM_001319683.2); short protein forms L156fs.
Identifiers: ClinVar variation 1709641 (VCV001709641.2), dbSNP rs2524152962, ClinGen allele CA2580063307.